The following is an entry in ClinVar:

ClinVar aggregate classification (germline): Likely benign. Review status: criteria provided, single submitter (1 of 4 stars). 2 submissions from 2 submitters: Likely benign (1). 1 of the submissions does not count toward it. Last evaluated 2025-07-03.

Conditions:
Inborn genetic diseases. Identifiers: MedGen C0950123, MeSH D030342.
FKBP10-related disorder. Also called: FKBP10-related condition.

Submissions (2):

Ambry Genetics
Classification: Likely benign for Inborn genetic diseases. Last evaluated: 2025-07-03. Review status: criteria provided, single submitter. Criteria: Ambry Variant Classification Scheme 2023. Collection method: clinical testing. Allele origin: germline.

PreventionGenetics, part of Exact Sciences
Classification: Uncertain significance for FKBP10-related condition. Last evaluated: 2024-03-14. Review status: no assertion criteria provided. Collection method: clinical testing. Allele origin: germline. Not counted in ClinVar's aggregate classification.
Comment: The FKBP10 c.479C>T variant is predicted to result in the amino acid substitution p.Thr160Ile. To our knowledge, this variant has not been reported in the literature or in a large population database, indicating this variant is rare. At this time, the clinical significance of this variant is uncertain due to the absence of conclusive functional and genetic evidence.

NM_021939.4(FKBP10):c.479C>T (p.Thr160Ile)

Gene: FKBP10 (FKBP prolyl isomerase 10; plus strand). Cytogenetic location: 17q21.2.
Variant type: single nucleotide variant.
Coding change: c.479C>T on transcript NM_021939.4 (MANE Select); coding-DNA position 479, C replaced by T.
Protein change: p.Thr160Ile; replaces threonine 160 with isoleucine.
Molecular consequence: missense variant.
Genome position (GRCh38, 1-based): chr17:41,818,176, C>T. VCF-style: chr17-41818176-C-T. GRCh37 (hg19) VCF-style: chr17-39974428-C-T.
Other names: short protein forms T160I.
Identifiers: ClinVar variation 3351106 (VCV003351106.2).